The following is an entry in ClinVar:

ClinVar aggregate classification (germline): Conflicting classifications of pathogenicity. Review status: criteria provided, conflicting classifications (1 of 4 stars). 2 submissions from 2 submitters: Uncertain significance (1); Likely benign (1). Last evaluated 2025-02-04.

Conditions:
Inborn genetic diseases. Identifiers: MedGen C0950123, MeSH D030342.

Allele frequency attached by ClinVar (database versions not stated): ExAC 0.00001; gnomAD exomes 0.00008; TOPMed 0.00008; gnomAD 0.00009.
gnomAD v4.1: 120 of 1,612,488 alleles (0.0074%); highest among the groups gnomAD compares: Non-Finnish European, 0.0092%; no homozygotes.

Submissions (2):

Ambry Genetics
Classification: Likely benign for Inborn genetic diseases. Last evaluated: 2025-02-04. Review status: criteria provided, single submitter. Criteria: Ambry Variant Classification Scheme 2023. Collection method: clinical testing. Allele origin: germline.

Labcorp Genetics (formerly Invitae), Labcorp
Classification: Uncertain significance. Last evaluated: 2023-12-04. Review status: criteria provided, single submitter. Criteria: Invitae Variant Classification Sherloc (09022015). Collection method: clinical testing. Allele origin: germline.
Comment: This sequence change replaces isoleucine, which is neutral and non-polar, with valine, which is neutral and non-polar, at codon 4654 of the MACF1 protein (p.Ile4654Val). This variant is present in population databases (rs771081547, gnomAD 0.006%). This variant has not been reported in the literature in individuals affected with MACF1-related conditions. An algorithm developed to predict the effect of missense changes on protein structure and function (PolyPhen-2) suggests that this variant is likely to be tolerated. In summary, the available evidence is currently insufficient to determine the role of this variant in disease. Therefore, it has been classified as a Variant of Uncertain Significance.

NM_001394062.1(MACF1):c.20137A>G (p.Ile6713Val)

Gene: MACF1 (microtubule actin crosslinking factor 1; plus strand). Cytogenetic location: 1p34.3.
Variant type: single nucleotide variant.
Coding change: c.20137A>G on transcript NM_001394062.1 (MANE Select); coding-DNA position 20137, A replaced by G.
Protein change: p.Ile6713Val; replaces isoleucine 6713 with valine.
Molecular consequence: missense variant.
Genome position (GRCh38, 1-based): chr1:39,448,642, A>G. VCF-style: chr1-39448642-A-G. GRCh37 (hg19) VCF-style: chr1-39914314-A-G.
Other names: c.8215A>G, p.Ile2739Val (NM_001397473.1); c.13960A>G, p.Ile4654Val (NM_012090.5); c.13960A>G (NM_012090.4); short protein forms I2739V, I4654V, I6713V.
Identifiers: ClinVar variation 2860432 (VCV002860432.4), dbSNP rs771081547, ClinGen allele CA784320.
Genomic context (GRCh38, chr1:39,448,642, plus strand): 5'-CTGGAAACATAGGAGTTTCAGAAGACTCTTGGTGGCAAGCAGCCTGTGTATGATACCACA[A>G]TTAGAACTGGCAGAGCACTGAAAGAAAAGACTTTGCTTCCCGAAGATAGTCAGAAACTTG-3'
Protein context (NP_001380991.1, residues 6703-6723): GGKQPVYDTT[Ile6713Val]RTGRALKEKT